The following is an entry in ClinVar:

NM_000202.8(IDS):c.380G>A (p.Gly127Asp)

Gene: IDS (iduronate 2-sulfatase; minus strand). Cytogenetic location: Xq28.
Variant type: single nucleotide variant.
Coding change: c.380G>A on transcript NM_000202.8 (MANE Select); coding-DNA position 380, G replaced by A.
Protein change: p.Gly127Asp; replaces glycine 127 with aspartic acid.
Molecular consequence: missense variant. On other transcripts: non-coding transcript variant (1).
Genome position (GRCh38, 1-based): chrX:149,503,350, C>T on the plus strand (G>A on the coding strand, the complement: IDS is on the minus strand). VCF-style: chrX-149503350-C-T. GRCh37 (hg19) VCF-style: chrX-148584880-C-T.
Other names: c.110G>A, p.Gly37Asp (NM_001166550.4); c.380G>A, p.Gly127Asp (NM_006123.5); short protein forms G127D, G37D.
Identifiers: ClinVar variation 2414626 (VCV002414626.6), dbSNP rs2520895569, ClinGen allele CA414525823.

ClinVar aggregate classification (germline): Uncertain significance (1 of 4 stars; one submission).

Conditions:
Mucopolysaccharidosis, MPS-II (MPS2). Also called: Attenuated MPS (subtype; formerly known as mild MPS II); Severe MPS II; I2S deficiency; MPS 2; Hunter Syndrome; IDURONATE 2-SULFATASE DEFICIENCY. Identifiers: Orphanet 580, Orphanet 79388, MedGen C0026705, MONDO:0010674, OMIM 309900.

Submission:

Labcorp Genetics (formerly Invitae), Labcorp
Classification: Uncertain significance for Mucopolysaccharidosis, MPS-II. Last evaluated: 2022-08-10. Review status: criteria provided, single submitter. Criteria: Invitae Variant Classification Sherloc (09022015). Collection method: clinical testing. Allele origin: germline.
Comment: This variant has not been reported in the literature in individuals affected with IDS-related conditions. Advanced modeling of protein sequence and biophysical properties (such as structural, functional, and spatial information, amino acid conservation, physicochemical variation, residue mobility, and thermodynamic stability) performed at Invitae indicates that this missense variant is expected to disrupt IDS protein function. In summary, the available evidence is currently insufficient to determine the role of this variant in disease. Therefore, it has been classified as a Variant of Uncertain Significance. This sequence change replaces glycine, which is neutral and non-polar, with aspartic acid, which is acidic and polar, at codon 127 of the IDS protein (p.Gly127Asp). This variant is not present in population databases (gnomAD no frequency).